The following is an entry in ClinVar:

ClinVar aggregate classification (germline): Likely benign (1 of 4 stars; one submission).

Allele frequency attached by ClinVar (database versions not stated): TOPMed 0.00006; gnomAD 0.00022; gnomAD exomes 0.00037; 1000 Genomes Project 0.00080; ExAC 0.00089; 1000 Genomes Project 30x 0.00109.

Submission:

CeGaT Center for Human Genetics Tuebingen
Classification: Likely benign. Last evaluated: 2023-10-01. Review status: criteria provided, single submitter. Criteria: CeGaT Center For Human Genetics Tuebingen Variant Classification Criteria Version 2. Collection method: clinical testing. Allele origin: germline. Affected: yes. Observed: 1 variant allele.
Comment: CDK11B: BP4, BP7

NM_033486.3(CDK11B):c.1158C>T (p.Ser386=)

Gene: CDK11B (cyclin dependent kinase 11B; minus strand). Cytogenetic location: 1p36.33.
Variant type: single nucleotide variant.
Coding change: c.1158C>T on transcript NM_033486.3 (MANE Select); coding-DNA position 1158, C replaced by T.
Protein change: p.Ser386=; no amino-acid change (serine 386 retained).
Molecular consequence: synonymous variant.
Genome position (GRCh38, 1-based): chr1:1,640,370, G>A on the plus strand (C>T on the coding strand, the complement: CDK11B is on the minus strand). VCF-style: chr1-1640370-G-A. GRCh37 (hg19) VCF-style: chr1-1575731-G-A.
Other names: c.1128C>T, p.Ser376= (NM_001291345.2); c.1197C>T, p.Ser399= (NM_001787.3); c.390C>T, p.Ser130= (NM_033487.3); c.1056C>T, p.Ser352= (NM_033489.3); c.507C>T, p.Ser169= (NM_033490.3).
Identifiers: ClinVar variation 2638051 (VCV002638051.24), dbSNP rs558767900, ClinGen allele CA528981.